The following is an entry in ClinVar:

ClinVar aggregate classification (germline): Likely benign. Review status: criteria provided, multiple submitters, no conflicts (2 of 4 stars). 3 submissions from 3 submitters: Likely benign (2). 1 of the submissions does not count toward it. Last evaluated 2025-04-04.

Conditions:
Pallister-Hall syndrome (PHS). Also called: HYPOTHALAMIC HAMARTOBLASTOMA, HYPOPITUITARISM, IMPERFORATE ANUS, AND POSTAXIAL POLYDACTYLY; GLI3-Related Pallister-Hall Syndrome. Identifiers: Orphanet 672, MedGen C0265220, MONDO:0007804, OMIM 146510.
Polysyndactyly 4. Also called: Polysyndactyly uncomplicated; Preaxial polydactyly 4. Identifiers: Orphanet 93338, MedGen C1868111, MONDO:0008272, OMIM 174700.
Polydactyly, postaxial, type A1. Identifiers: MedGen C4282400, MONDO:0008266, OMIM 174200.
Greig cephalopolysyndactyly syndrome (GCPS). Also called: POLYSYNDACTYLY WITH PECULIAR SKULL SHAPE; Greig syndrome; GLI3-Related Greig Cephalopolysyndactyly Syndrome. Identifiers: Orphanet 380, MedGen C0265306, MONDO:0008287, OMIM 175700.
GLI3-related disorder. Also called: GLI3-related disorders; GLI3-related condition. Identifiers: MedGen CN239292.

Allele frequency attached by ClinVar (database versions not stated): gnomAD exomes 0.00005 and 0.00006; gnomAD 0.00005 and 0.00006; ESP Exome Variant Server 0.00008; TOPMed 0.00003; ExAC 0.00004.
gnomAD v4.1: 91 of 1,613,930 alleles (0.0056%); highest among the groups gnomAD compares: East Asian, 0.0089%; no homozygotes.

Submissions (3):

Labcorp Genetics (formerly Invitae), Labcorp
Classification: Likely benign for Pallister-Hall syndrome; Greig cephalopolysyndactyly syndrome. Last evaluated: 2025-04-04. Review status: criteria provided, single submitter. Criteria: Invitae Variant Classification Sherloc (09022015). Collection method: clinical testing. Allele origin: germline.

Fulgent Genetics
Classification: Likely benign for Pallister-Hall syndrome; Polydactyly, postaxial, type A1; Polysyndactyly 4; Greig cephalopolysyndactyly syndrome. Last evaluated: 2021-09-08. Review status: criteria provided, single submitter. Criteria: ACMG Guidelines, 2015. Collection method: clinical testing. Allele origin: unknown.

PreventionGenetics, part of Exact Sciences
Classification: Likely benign for GLI3-related condition. Last evaluated: 2019-09-19. Review status: no assertion criteria provided. Collection method: clinical testing. Allele origin: germline. Not counted in ClinVar's aggregate classification.
Comment: This variant is classified as likely benign based on ACMG/AMP sequence variant interpretation guidelines (Richards et al. 2015 PMID: 25741868, with internal and published modifications).

NM_000168.6(GLI3):c.240C>T (p.Asp80=)

Gene: GLI3 (GLI family zinc finger 3; minus strand). Cytogenetic location: 7p14.1.
Variant type: single nucleotide variant.
Coding change: c.240C>T on transcript NM_000168.6 (MANE Select); coding-DNA position 240, C replaced by T.
Protein change: p.Asp80=; no amino-acid change (aspartic acid 80 retained).
Molecular consequence: synonymous variant.
Genome position (GRCh38, 1-based): chr7:42,148,353, G>A on the plus strand (C>T on the coding strand, the complement: GLI3 is on the minus strand). VCF-style: chr7-42148353-G-A. GRCh37 (hg19) VCF-style: chr7-42187952-G-A.
Identifiers: ClinVar variation 976534 (VCV000976534.13), dbSNP rs149400571, ClinGen allele CA4231270.